The following is an entry in ClinVar:

ClinVar aggregate classification (germline): Pathogenic (1 of 4 stars; one submission).

Conditions:
Wilson disease (WND). Also called: Wilson's disease. Identifiers: Orphanet 905, MedGen C0019202, MONDO:0010200, OMIM 277900. Disease mechanism: loss of function.

Submission:

Labcorp Genetics (formerly Invitae), Labcorp
Classification: Pathogenic for Wilson disease. Last evaluated: 2022-07-02. Review status: criteria provided, single submitter. Criteria: Invitae Variant Classification Sherloc (09022015). Collection method: clinical testing. Allele origin: germline.
Comment: This sequence change creates a premature translational stop signal (p.Val1307Trpfs*25) in the ATP7B gene. It is expected to result in an absent or disrupted protein product. Loss-of-function variants in ATP7B are known to be pathogenic (PMID: 10441329, 16283883). For these reasons, this variant has been classified as Pathogenic. This variant has not been reported in the literature in individuals affected with ATP7B-related conditions. This variant is not present in population databases (gnomAD no frequency).

Literature cited by the submitters: PubMed 10441329; PubMed 16283883.

NM_000053.4(ATP7B):c.3914_3918dup (p.Val1307fs)

Gene: ATP7B (ATPase copper transporting beta; minus strand). Cytogenetic location: 13q14.3.
Variant type: Duplication.
Coding change: c.3914_3918dup on transcript NM_000053.4 (MANE Select); coding-DNA positions 3914 to 3918, 5 bases duplicated (TGGAT; older notation c.3914_3918dupTGGAT).
Protein change: p.Val1307fs; shifts the reading frame from valine 1307.
Molecular consequence: frameshift variant.
Genome position (GRCh38, 1-based): chr13:51,937,379-51,937,383, ATCCA duplicated on the plus strand (TGGAT on the coding strand, the reverse complement: ATP7B is on the minus strand). VCF-style (leftmost placement, unchanged base first): chr13-51937378-C-CATCCA. GRCh37 (hg19) VCF-style: chr13-52511514-C-CATCCA.
Other names: c.3293_3297dup, p.Val1100fs (NM_001005918.3); c.3581_3585dup, p.Val1196fs (NM_001243182.2); c.3680_3684dup, p.Val1229fs (NM_001330578.2); c.3662_3666dup, p.Val1223fs (NM_001330579.2); c.3914_3918dup, p.Val1307Trpfs (NM_001406511.1, NM_001406512.1); c.3908_3912dup, p.Val1305Trpfs (NM_001406513.1); c.3881_3885dup, p.Val1296Trpfs (NM_001406514.1); c.3860_3864dup, p.Val1289Trpfs (NM_001406515.1, NM_001406516.1); and 23 more; short protein forms V1196fs, V1223fs, V1229fs, V1100fs, V1307fs.
Identifiers: ClinVar variation 2010494 (VCV002010494.4), dbSNP rs2547565429, ClinGen allele CA2580087702.